The following is an entry in ClinVar:

NM_006767.4(LZTR1):c.2488G>C (p.Asp830His)

Gene: LZTR1 (leucine zipper like post translational regulator 1; plus strand). Cytogenetic location: 22q11.21.
Variant type: single nucleotide variant.
Coding change: c.2488G>C on transcript NM_006767.4 (MANE Select); coding-DNA position 2488, G replaced by C.
Protein change: p.Asp830His; replaces aspartic acid 830 with histidine.
Molecular consequence: missense variant.
Genome position (GRCh38, 1-based): chr22:20,997,313, G>C. VCF-style: chr22-20997313-G-C. GRCh37 (hg19) VCF-style: chr22-21351602-G-C.
Other names: short protein forms D830H.
Identifiers: ClinVar variation 3624445 (VCV003624445.2).

ClinVar aggregate classification (germline): Uncertain significance (1 of 4 stars; one submission).

gnomAD v4.1: 1 of 1,613,620 alleles (0.000062%); highest among the groups gnomAD compares: Non-Finnish European, 0.000085%; no homozygotes.

Submission:

Labcorp Genetics (formerly Invitae), Labcorp
Classification: Uncertain significance. Last evaluated: 2024-10-30. Review status: criteria provided, single submitter. Criteria: Invitae Variant Classification Sherloc (09022015). Collection method: clinical testing. Allele origin: germline.
Comment: This sequence change replaces aspartic acid, which is acidic and polar, with histidine, which is basic and polar, at codon 830 of the LZTR1 protein (p.Asp830His). This variant is not present in population databases (gnomAD no frequency). This variant has not been reported in the literature in individuals affected with LZTR1-related conditions. Invitae Evidence Modeling of protein sequence and biophysical properties (such as structural, functional, and spatial information, amino acid conservation, physicochemical variation, residue mobility, and thermodynamic stability) indicates that this missense variant is not expected to disrupt LZTR1 protein function with a negative predictive value of 80%. In summary, the available evidence is currently insufficient to determine the role of this variant in disease. Therefore, it has been classified as a Variant of Uncertain Significance.